The following is an entry in ClinVar:

NM_173354.5(SIK1):c.1728C>G (p.Asp576Glu)

Gene: SIK1 (salt inducible kinase 1; minus strand). Cytogenetic location: 21q22.3.
Variant type: single nucleotide variant.
Coding change: c.1728C>G on transcript NM_173354.5 (MANE Select); coding-DNA position 1728, C replaced by G.
Protein change: p.Asp576Glu; replaces aspartic acid 576 with glutamic acid.
Molecular consequence: missense variant.
Genome position (GRCh38, 1-based): chr21:43,418,276, G>C on the plus strand (C>G on the coding strand, the complement: SIK1 is on the minus strand). VCF-style: chr21-43418276-G-C. GRCh37 (hg19) VCF-style: chr21-44838156-G-C.
Other names: short protein forms D576E.
Identifiers: ClinVar variation 1966968 (VCV001966968.5), dbSNP rs1278106606, ClinGen allele CA410607431.

ClinVar aggregate classification (germline): Uncertain significance (1 of 4 stars; one submission).

Conditions:
Developmental and epileptic encephalopathy, 30 (DEE30). Also called: Epileptic encephalopathy, early infantile, 30. Identifiers: MedGen C4225360, MONDO:0014595, OMIM 616341.

Submission:

Labcorp Genetics (formerly Invitae), Labcorp
Classification: Uncertain significance for Developmental and epileptic encephalopathy, 30. Last evaluated: 2023-08-28. Review status: criteria provided, single submitter. Criteria: Invitae Variant Classification Sherloc (09022015). Collection method: clinical testing. Allele origin: germline.
Comment: In summary, the available evidence is currently insufficient to determine the role of this variant in disease. Therefore, it has been classified as a Variant of Uncertain Significance. Advanced modeling of protein sequence and biophysical properties (such as structural, functional, and spatial information, amino acid conservation, physicochemical variation, residue mobility, and thermodynamic stability) performed at Invitae indicates that this missense variant is not expected to disrupt SIK1 protein function. ClinVar contains an entry for this variant (Variation ID: 1966968). This variant has not been reported in the literature in individuals affected with SIK1-related conditions. This variant is not present in population databases (gnomAD no frequency). This sequence change replaces aspartic acid, which is acidic and polar, with glutamic acid, which is acidic and polar, at codon 576 of the SIK1 protein (p.Asp576Glu).